The following is an entry in ClinVar:

NM_000264.5(PTCH1):c.905C>T (p.Pro302Leu)

Gene: PTCH1 (patched 1; minus strand). Cytogenetic location: 9q22.32.
Variant type: single nucleotide variant.
Coding change: c.905C>T on transcript NM_000264.5 (MANE Select); coding-DNA position 905, C replaced by T.
Protein change: p.Pro302Leu; replaces proline 302 with leucine.
Molecular consequence: missense variant. On other transcripts: non-coding transcript variant (1).
Genome position (GRCh38, 1-based): chr9:95,480,430, G>A on the plus strand (C>T on the coding strand, the complement: PTCH1 is on the minus strand). VCF-style: chr9-95480430-G-A. GRCh37 (hg19) VCF-style: chr9-98242712-G-A.
Other names: c.707C>T, p.Pro236Leu (NM_001083602.3); c.902C>T, p.Pro301Leu (NM_001083603.3); c.452C>T, p.Pro151Leu (NM_001083604.3, NM_001083605.3, NM_001083606.3 and 1 more transcripts); c.905C>T, p.Pro302Leu (NM_001354918.2); short protein forms P151L, P236L, P301L, P302L.
Identifiers: ClinVar variation 1765621 (VCV001765621.2), dbSNP rs1487227339, ClinGen allele CA374113772.

ClinVar aggregate classification (germline): Uncertain significance (1 of 4 stars; one submission).

Conditions:
Hereditary cancer-predisposing syndrome. Also called: Neoplastic Syndromes, Hereditary; Tumor predisposition; Hereditary Cancer Syndrome; Hereditary neoplastic syndrome. Identifiers: Orphanet 140162, MedGen C0027672, MeSH D009386, MONDO:0015356.

Submission:

Ambry Genetics
Classification: Uncertain significance for Hereditary cancer-predisposing syndrome. Last evaluated: 2020-01-14. Review status: criteria provided, single submitter. Criteria: Ambry Variant Classification Scheme 2023. Collection method: clinical testing. Allele origin: germline.
Comment: The p.P302L variant (also known as c.905C>T), located in coding exon 6 of the PTCH1 gene, results from a C to T substitution at nucleotide position 905. The proline at codon 302 is replaced by leucine, an amino acid with similar properties. This amino acid position is well conserved in available vertebrate species. In addition, the in silico prediction for this alteration is inconclusive. Since supporting evidence is limited at this time, the clinical significance of this alteration remains unclear.